The following is an entry in ClinVar:

NM_031885.5(BBS2):c.1946_1952del (p.Asp649fs)

Gene: BBS2 (Bardet-Biedl syndrome 2; minus strand). Cytogenetic location: 16q13.
Variant type: Deletion.
Coding change: c.1946_1952del on transcript NM_031885.5 (MANE Select); coding-DNA positions 1946 to 1952, 7 bases deleted (ACCTTAA; older notation c.1946_1952delACCTTAA).
Protein change: p.Asp649fs; shifts the reading frame from aspartic acid 649.
Molecular consequence: frameshift variant. On other transcripts: non-coding transcript variant (5).
Genome position (GRCh38, 1-based): chr16:56,485,697-56,485,703, TTAAGGT deleted on the plus strand (ACCTTAA on the coding strand, the reverse complement: BBS2 is on the minus strand). VCF-style (leftmost placement, unchanged base first): chr16-56485696-ATTAAGGT-A. GRCh37 (hg19) VCF-style: chr16-56519608-ATTAAGGT-A.
Other names: c.1946_1952del (NM_031885.3); c.1946_1952del, p.Asp649fs (NM_001377456.1); short protein forms D649fs.
Identifiers: ClinVar variation 554565 (VCV000554565.7), dbSNP rs745951028, ClinGen allele CA8065570.
Genomic context (GRCh38, chr16:56,485,696, plus strand): 5'-GTTTCCCAACAGCTCTGTGTGATTGTTACAGCGAATTTTATATCCATTTAGCAAGTCTCT[ATTAAGGT>A]CATAGAGTTCCATATAACGACTCTTCATTGTTTTCCTGTGCAAATCAGTAGAAATTTGAC-3'

ClinVar aggregate classification (germline): Pathogenic/Likely pathogenic. Review status: criteria provided, multiple submitters, no conflicts (2 of 4 stars). 4 submissions from 4 submitters: Pathogenic (1); Likely pathogenic (2). 1 of the submissions does not count toward it. Last evaluated 2025-02-04.

Conditions:
Bardet-Biedl syndrome 2 (BBS2). Identifiers: Orphanet 110, MedGen C2936863, MONDO:0014432, OMIM 615981.
Bardet-Biedl syndrome (BBS). Identifiers: Orphanet 110, MedGen C0752166, MONDO:0015229.

Allele frequency attached by ClinVar (database versions not stated): gnomAD 0.00001; gnomAD exomes 0.00001; TOPMed 0.00001; ExAC 0.00002; ESP Exome Variant Server 0.00008.

Submissions (4):

Natera, Inc.
Classification: Likely pathogenic for Bardet-Biedl syndrome type 2. Last evaluated: 2025-02-04. Review status: criteria provided, single submitter. Criteria: Natera Variant Classification Schema (03/2026). Collection method: clinical testing. Allele origin: germline.
Comment: The c.1946_1952del variant in BBS2 is a frameshift variant predicted to shift the reading frame beginning at codon 649 and leads to a stop codon 5 codons downstream. This variant is expected to result in nonsense mediated decay, truncation, or a dysfunctional protein product. This variant is rare in the general population with a frequency below the threshold expected for the associated phenotype(s). Given the available evidence, this variant is classified as Likely Pathogenic.

Labcorp Genetics (formerly Invitae), Labcorp
Classification: Pathogenic for Bardet-Biedl syndrome. Last evaluated: 2024-01-14. Review status: criteria provided, single submitter. Criteria: Invitae Variant Classification Sherloc (09022015). Collection method: clinical testing. Allele origin: germline.
Comment: This sequence change creates a premature translational stop signal (p.Asp649Valfs*5) in the BBS2 gene. It is expected to result in an absent or disrupted protein product. Loss-of-function variants in BBS2 are known to be pathogenic (PMID: 11285252, 20177705, 24608809, 26518167). This variant is present in population databases (rs745951028, gnomAD 0.0009%). This variant has not been reported in the literature in individuals affected with BBS2-related conditions. ClinVar contains an entry for this variant (Variation ID: 554565). For these reasons, this variant has been classified as Pathogenic.

Baylor Genetics
Classification: Likely pathogenic for Bardet-Biedl syndrome 2. Last evaluated: 2023-10-07. Review status: criteria provided, single submitter. Criteria: ACMG Guidelines, 2015. Collection method: clinical testing. Allele origin: unknown.

Counsyl
Classification: Likely pathogenic for Bardet-Biedl syndrome 2. Last evaluated: 2017-10-25. Review status: no assertion criteria provided. Collection method: clinical testing. Allele origin: unknown. Not counted in ClinVar's aggregate classification.

Literature cited by the submitters: PubMed 11285252 (cited by Labcorp Genetics (formerly Invitae), Labcorp); PubMed 20177705 (cited by Labcorp Genetics (formerly Invitae), Labcorp); PubMed 24608809 (cited by Labcorp Genetics (formerly Invitae), Labcorp); PubMed 26518167 (cited by Labcorp Genetics (formerly Invitae), Labcorp).